The following is an entry in ClinVar:

ClinVar aggregate classification (germline): Uncertain significance (1 of 4 stars; one submission).

Allele frequency attached by ClinVar (database versions not stated): TOPMed below 0.00001; gnomAD exomes below 0.00001.
gnomAD v4.1: 2 of 1,207,732 alleles (0.00017%); highest among the groups gnomAD compares: African/African-American, 0.0035%; no homozygotes.

Submission:

Labcorp Genetics (formerly Invitae), Labcorp
Classification: Uncertain significance. Last evaluated: 2025-03-26. Review status: criteria provided, single submitter. Criteria: Invitae Variant Classification Sherloc (09022015). Collection method: clinical testing. Allele origin: germline.
Comment: This sequence change replaces serine, which is neutral and polar, with glycine, which is neutral and non-polar, at codon 316 of the POLA1 protein (p.Ser316Gly). This variant is not present in population databases (gnomAD no frequency). This variant has not been reported in the literature in individuals affected with POLA1-related conditions. ClinVar contains an entry for this variant (Variation ID: 2870046). Invitae Evidence Modeling of protein sequence and biophysical properties (such as structural, functional, and spatial information, amino acid conservation, physicochemical variation, residue mobility, and thermodynamic stability) indicates that this missense variant is not expected to disrupt POLA1 protein function with a negative predictive value of 80%. In summary, the available evidence is currently insufficient to determine the role of this variant in disease. Therefore, it has been classified as a Variant of Uncertain Significance.

NM_001330360.2(POLA1):c.964A>G (p.Ser322Gly)

Gene: POLA1 (DNA polymerase alpha 1, catalytic subunit; plus strand). Cytogenetic location: Xp22.11.
Variant type: single nucleotide variant.
Coding change: c.964A>G on transcript NM_001330360.2 (MANE Select); coding-DNA position 964, A replaced by G.
Protein change: p.Ser322Gly; replaces serine 322 with glycine.
Molecular consequence: missense variant. On other transcripts: non-coding transcript variant (2).
Genome position (GRCh38, 1-based): chrX:24,717,635, A>G. VCF-style: chrX-24717635-A-G. GRCh37 (hg19) VCF-style: chrX-24735752-A-G.
Other names: c.964A>G, p.Ser322Gly (NM_001378303.1); c.946A>G, p.Ser316Gly (NM_016937.4); short protein forms S316G, S322G.
Identifiers: ClinVar variation 2870046 (VCV002870046.3), dbSNP rs946702782, ClinGen allele CA326894623.